The following is an entry in ClinVar:

ClinVar aggregate classification (germline): Likely pathogenic (1 of 4 stars; one submission).

Conditions:
alpha Thalassemia. Also called: Alpha thalassemia spectrum. Identifiers: Orphanet 846, MedGen C0002312, MONDO:0011399, OMIM 604131.

Submission:

Natera, Inc.
Classification: Likely pathogenic for Alpha thalassemia. Last evaluated: 2025-12-16. Review status: criteria provided, single submitter. Criteria: Natera Variant Classification Schema (03/2026). Collection method: clinical testing. Allele origin: germline.
Comment: The c.133_134insGT variant in HBA1 is a frameshift variant predicted to shift the reading frame beginning at codon 45 and leads to a stop codon 6 codons downstream. This variant is expected to result in nonsense mediated decay, truncation, or a dysfunctional protein product. This variant is rare in the general population with a frequency below the threshold expected for the associated phenotype(s). Given the available evidence, this variant is classified as Likely Pathogenic.

NM_000558.5(HBA1):c.133_134insGT (p.Pro45fs)

Genes: HBA1 (hemoglobin subunit alpha 1; plus strand), LOC106804613 (hemoglobin subunit alpha 1 recombination region; plus strand). Cytogenetic location: 16p13.3.
Variant type: Insertion.
Coding change: c.133_134insGT on transcript NM_000558.5 (MANE Select); coding-DNA positions 133 to 134, GT inserted.
Protein change: p.Pro45fs; shifts the reading frame from proline 45.
Molecular consequence: frameshift variant.
Genome position: GRCh38 VCF-style: chr16-176966-C-CGT. GRCh37 (hg19) VCF-style: chr16-226965-C-CGT.
Other names: short protein forms P45fs.
Identifiers: ClinVar variation 4814371 (VCV004814371.1).